The following is an entry in ClinVar:

NM_130384.3(ATRIP):c.2171TGC[5] (p.Leu727_His728insLeu)

Genes: ATRIP (ATR interacting protein; plus strand), ATRIP-TREX1 (ATRIP-TREX1 readthrough; plus strand). Cytogenetic location: 3p21.31.
Variant type: Microsatellite.
Coding change: c.2171TGC[5] on transcript NM_130384.3 (MANE Select); five copies in a row of the 3-base unit TGC starting at c.2171; the reference has four copies in a row; one copy, 3 bases duplicated.
Protein change: p.Leu727_His728insLeu.
Molecular consequence: non-coding transcript variant (on NR_153405.1).
Genome position (GRCh38, 1-based): chr3:48,464,955-48,464,957, TGC duplicated; duplicating any 3 consecutive bases within chr3:48,464,946-48,464,957 gives the same sequence; the position shown is the placement nearest the transcript's 3' end. VCF-style (leftmost placement, unchanged base first): chr3-48464945-G-GTGC. GRCh37 (hg19) VCF-style: chr3-48506344-G-GTGC.
Other names: c.1790TGC[5], p.Leu600_His601insLeu (NM_001271022.2); c.1892TGC[5], p.Leu634_His635insLeu (NM_001271023.2); c.2090TGC[5], p.Leu700_His701insLeu (NM_032166.4).
Identifiers: ClinVar variation 4842182 (VCV004842182.1).

ClinVar aggregate classification (germline): Uncertain significance (1 of 4 stars; one submission).

Submission:

Ambry Genetics
Classification: Uncertain significance. Last evaluated: 2026-01-13. Review status: criteria provided, single submitter. Criteria: Ambry Variant Classification Scheme 2023. Collection method: clinical testing. Allele origin: germline.
Comment: The c.2180_2182dupTGC variant (also known as p.L727dup), located in coding exon 12 of the ATRIP gene, results from an in-frame duplication of TGC at nucleotide positions 2180 to 2182. This results in the duplication of an extra residue between codons 727 and 728. This amino acid position is highly conserved in available vertebrate species. The evidence for this gene-disease relationship is limited; therefore, the clinical significance of this alteration is unclear.